The following is an entry in ClinVar:

NM_130384.3(ATRIP):c.1649C>G (p.Ser550Cys)

Genes: ATRIP (ATR interacting protein; plus strand), ATRIP-TREX1 (ATRIP-TREX1 readthrough; plus strand). Cytogenetic location: 3p21.31.
Variant type: single nucleotide variant.
Coding change: c.1649C>G on transcript NM_130384.3 (MANE Select); coding-DNA position 1649, C replaced by G.
Protein change: p.Ser550Cys; replaces serine 550 with cysteine.
Molecular consequence: missense variant. On other transcripts: non-coding transcript variant (1).
Genome position (GRCh38, 1-based): chr3:48,460,703, C>G. VCF-style: chr3-48460703-C-G. GRCh37 (hg19) VCF-style: chr3-48502102-C-G.
Other names: c.1268C>G, p.Ser423Cys (NM_001271022.2); c.1370C>G, p.Ser457Cys (NM_001271023.2); c.1649C>G, p.Ser550Cys (NM_032166.4); short protein forms S550C, S457C, S423C.
Identifiers: ClinVar variation 4842164 (VCV004842164.1).
Genomic context (GRCh38, chr3:48,460,703, plus strand): 5'-CTGATGACCAAGGACAGCACCCACTGTTGAAGATGCTTCTTCACCTGTTGGCTTTCTCTT[C>G]TGCAGCAACAGGTCACCTTCAAGCCAGTGTCCTGACCCAGTGCCTTAAGGTTTTGGTGAA-3'
Protein context (NP_569055.1, residues 540-560): KMLLHLLAFS[Ser550Cys]AATGHLQASV

ClinVar aggregate classification (germline): Uncertain significance (1 of 4 stars; one submission).

Submission:

Ambry Genetics
Classification: Uncertain significance. Last evaluated: 2025-12-21. Review status: criteria provided, single submitter. Criteria: Ambry Variant Classification Scheme 2023. Collection method: clinical testing. Allele origin: germline.
Comment: The p.S550C variant (also known as c.1649C>G), located in coding exon 8 of the ATRIP gene, results from a C to G substitution at nucleotide position 1649. The serine at codon 550 is replaced by cysteine, an amino acid with dissimilar properties. This amino acid position is conserved. In addition, the in silico prediction for this alteration is inconclusive. Based on the available evidence, the clinical significance of this variant remains unclear.